The following is an entry in ClinVar:

NM_001134363.3(RBM20):c.1920C>A (p.Ser640Arg)

Gene: RBM20 (RNA binding motif protein 20; plus strand). Cytogenetic location: 10q25.2.
Variant type: single nucleotide variant.
Coding change: c.1920C>A on transcript NM_001134363.3 (MANE Select); coding-DNA position 1920, C replaced by A.
Protein change: p.Ser640Arg; replaces serine 640 with arginine.
Molecular consequence: missense variant.
Genome position (GRCh38, 1-based): chr10:110,812,317, C>A. VCF-style: chr10-110812317-C-A. GRCh37 (hg19) VCF-style: chr10-112572075-C-A.
Other names: c.1920C>A (NM_001134363.1); short protein forms S640R.
Identifiers: ClinVar variation 806574 (VCV000806574.49), dbSNP rs1439106449, ClinGen allele CA378370363.

ClinVar aggregate classification (germline): Uncertain significance. Review status: criteria provided, multiple submitters, no conflicts (2 of 4 stars). 3 submissions from 3 submitters: Uncertain significance (3). Last evaluated 2025-09-28.

Conditions:
Dilated cardiomyopathy 1DD (CMD1DD). Identifiers: Orphanet 154, MedGen C2750995, MONDO:0013168, OMIM 613172.
Cardiovascular phenotype. Identifiers: MedGen CN230736.

Allele frequency attached by ClinVar (database versions not stated): TOPMed 0.00001; gnomAD 0.00003.
gnomAD v4.1: 7 of 1,550,654 alleles (0.00045%); highest among the groups gnomAD compares: Non-Finnish European, 0.00061%; no homozygotes.

Submissions (3):

Ambry Genetics
Classification: Uncertain significance for Cardiovascular phenotype. Last evaluated: 2025-09-28. Review status: criteria provided, single submitter. Criteria: Ambry Variant Classification Scheme 2023. Collection method: clinical testing. Allele origin: germline.
Comment: The p.S640R variant (also known as c.1920C>A), located in coding exon 9 of the RBM20 gene, results from a C to A substitution at nucleotide position 1920. The serine at codon 640 is replaced by arginine, an amino acid with dissimilar properties. This amino acid position is conserved. In addition, the in silico prediction for this alteration is inconclusive. Based on the available evidence, the clinical significance of this variant remains unclear.

Labcorp Genetics (formerly Invitae), Labcorp
Classification: Uncertain significance for Dilated cardiomyopathy 1DD. Last evaluated: 2020-08-22. Review status: criteria provided, single submitter. Criteria: Invitae Variant Classification Sherloc (09022015). Collection method: clinical testing. Allele origin: germline.
Comment: Algorithms developed to predict the effect of missense changes on protein structure and function (SIFT, PolyPhen-2, Align-GVGD) all suggest that this variant is likely to be disruptive, but these predictions have not been confirmed by published functional studies and their clinical significance is uncertain. In summary, the available evidence is currently insufficient to determine the role of this variant in disease. Therefore, it has been classified as a Variant of Uncertain Significance. This variant has not been reported in the literature in individuals with RBM20-related conditions. This variant is not present in population databases (ExAC no frequency). This sequence change replaces serine with arginine at codon 640 of the RBM20 protein (p.Ser640Arg). The serine residue is highly conserved and there is a moderate physicochemical difference between serine and arginine.

CeGaT Center for Human Genetics Tuebingen
Classification: Uncertain significance. Last evaluated: 2019-03-01. Review status: criteria provided, single submitter. Criteria: CeGaT Center For Human Genetics Tuebingen Variant Classification Criteria Version 2. Collection method: clinical testing. Allele origin: germline. Affected: yes. Observed: 1 variant allele.